The following is an entry in ClinVar:

NM_006245.4(PPP2R5D):c.619T>A (p.Trp207Arg)

Gene: PPP2R5D (protein phosphatase 2 regulatory subunit B'delta; plus strand). Cytogenetic location: 6p21.1.
Variant type: single nucleotide variant.
Coding change: c.619T>A on transcript NM_006245.4 (MANE Select); coding-DNA position 619, T replaced by A.
Protein change: p.Trp207Arg; replaces tryptophan 207 with arginine.
Molecular consequence: missense variant.
Genome position (GRCh38, 1-based): chr6:43,007,292, T>A. VCF-style: chr6-43007292-T-A. GRCh37 (hg19) VCF-style: chr6-42975030-T-A.
Other names: c.166T>A, p.Trp56Arg (NM_001270476.2); c.523T>A, p.Trp175Arg (NM_180976.3); c.301T>A, p.Trp101Arg (NM_180977.3); short protein forms W207R, W101R, W56R, W175R.
Identifiers: ClinVar variation 217457 (VCV000217457.11), dbSNP rs869320691, ClinGen allele CA358858.

ClinVar aggregate classification (germline): Pathogenic. Review status: criteria provided, multiple submitters, no conflicts (2 of 4 stars). 6 submissions from 6 submitters: Pathogenic (3). 3 of the submissions do not count toward it. Last evaluated 2025-09-10.

Conditions:
Houge-Janssens syndrome 1. Also called: Hogue-Janssens syndrome 1; PPP2R5D-Related Neurodevelopmental Disorder; Intellectual disability-macrocephaly-hypotonia-behavioral abnormalities syndrome; INTELLECTUAL DEVELOPMENTAL DISORDER, AUTOSOMAL DOMINANT 35. Identifiers: Orphanet 457279, MedGen C5779996, MONDO:0014602, OMIM 616355.

Submissions (6):

Genomic Medicine Center of Excellence, King Faisal Specialist Hospital and Research Centre
Classification: Pathogenic for Houge-Janssens syndrome 1. Last evaluated: 2025-09-10. Review status: criteria provided, single submitter. Criteria: ACMG Guidelines, 2015. Collection method: clinical testing. Allele origin: germline.

Genetics and Genomic Medicine Centre, NeuroGen Healthcare, NeuroGen Healthcare
Classification: Pathogenic for Houge-Janssens syndrome 1. Last evaluated: 2024-06-05. Review status: criteria provided, single submitter. Criteria: ACMG Guidelines, 2015. Collection method: clinical testing. Allele origin: unknown. Affected: yes.

GeneDx
Classification: Pathogenic. Last evaluated: 2024-04-01. Review status: criteria provided, single submitter. Criteria: GeneDx Variant Classification Process June 2021. Collection method: clinical testing. Allele origin: germline. Affected: yes.
Comment: Published functional studies demonstrate a damaging effect with deficient holoenzyme formation compared to wild type (PMID: 26168268); Not observed at significant frequency in large population cohorts (gnomAD); This variant is associated with the following publications: (PMID: 24896178, 26168268, 34580403, 35982159, 33057194)

Pediatric Genetics Clinic, Sheba Medical Center
Classification: Pathogenic for Houge-Janssens syndrome 1. Last evaluated: 2021-05-13. Review status: no assertion criteria provided. Collection method: clinical testing. Allele origin: de novo. Affected: yes. Observed: 1 heterozygote. Not counted in ClinVar's aggregate classification.

OMIM
Classification: Pathogenic for HOUGE-JANSSENS SYNDROME 1. Last evaluated: 2015-08-03. Review status: no assertion criteria provided. Collection method: literature only. Allele origin: germline. Not counted in ClinVar's aggregate classification.

GeneReviews
No classification provided. Condition: Houge-Janssens syndrome 1. Review status: no classification provided. Collection method: literature only. Allele origin: de novo. Not counted in ClinVar's aggregate classification.

Literature cited by the submitters: PubMed 26168268 (cited by OMIM); NCBI Bookshelf NBK536360 (cited by GeneReviews); PubMed 30676711 (cited by GeneReviews).